The following is an entry in ClinVar:

ClinVar aggregate classification (germline): Uncertain significance. Review status: criteria provided, multiple submitters, no conflicts (2 of 4 stars). 2 submissions from 2 submitters: Uncertain significance (2). Last evaluated 2023-09-17.

Conditions:
Hereditary cancer-predisposing syndrome. Also called: Neoplastic Syndromes, Hereditary; Hereditary Cancer Syndrome; Hereditary neoplastic syndrome; Tumor predisposition. Identifiers: Orphanet 140162, MedGen C0027672, MeSH D009386, MONDO:0015356.
Gastrointestinal stromal tumor. Also called: Gastrointestinal stroma tumor; Gastrointestinal stromal tumor, somatic. Identifiers: Orphanet 44890, MedGen C0238198, MeSH D046152, MONDO:0011719, OMIM 606764, HP:0100723.

Submissions (2):

Ambry Genetics
Classification: Uncertain significance for Hereditary cancer-predisposing syndrome. Last evaluated: 2023-09-17. Review status: criteria provided, single submitter. Criteria: Ambry Variant Classification Scheme 2023. Collection method: clinical testing. Allele origin: germline.
Comment: The p.L133V variant (also known as c.397C>G), located in coding exon 3 of the KIT gene, results from a C to G substitution at nucleotide position 397. The leucine at codon 133 is replaced by valine, an amino acid with highly similar properties. This amino acid position is conserved. In addition, this alteration is predicted to be tolerated by in silico analysis. Since supporting evidence is limited at this time, the clinical significance of this alteration remains unclear.

Labcorp Genetics (formerly Invitae), Labcorp
Classification: Uncertain significance for Gastrointestinal stromal tumor. Last evaluated: 2017-05-11. Review status: criteria provided, single submitter. Criteria: Invitae Variant Classification Sherloc (09022015). Collection method: clinical testing. Allele origin: germline.
Comment: In summary, this variant has uncertain impact on KIT function. The available evidence is currently insufficient to determine its role in disease. Therefore, it has been classified as a Variant of Uncertain Significance. Algorithms developed to predict the effect of missense changes on protein structure and function output the following: SIFT: "Tolerated"; PolyPhen-2: "Benign"; Align-GVGD: "Class C0". The valine amino acid residue is found in multiple mammalian species, suggesting that this missense change does not adversely affect protein function. These predictions have not been confirmed by published functional studies and their clinical significance is uncertain. This variant has not been reported in the literature in individuals with a KIT-related disease. ClinVar contains an entry for this variant (Variation ID: 409724). This variant is not present in population databases (ExAC no frequency). This sequence change replaces leucine with valine at codon 133 of the KIT protein (p.Leu133Val). The leucine residue is highly conserved and there is a small physicochemical difference between leucine and valine.

NM_000222.3(KIT):c.397C>G (p.Leu133Val)

Gene: KIT (KIT proto-oncogene, receptor tyrosine kinase; plus strand). Cytogenetic location: 4q12.
Variant type: single nucleotide variant.
Coding change: c.397C>G on transcript NM_000222.3 (MANE Select); coding-DNA position 397, C replaced by G.
Protein change: p.Leu133Val; replaces leucine 133 with valine.
Molecular consequence: missense variant.
Genome position (GRCh38, 1-based): chr4:54,698,343, C>G. VCF-style: chr4-54698343-C-G. GRCh37 (hg19) VCF-style: chr4-55564509-C-G.
Other names: c.397C>G, p.Leu133Val (NM_001093772.2, NM_001385284.1, NM_001385285.1 and 4 more transcripts); short protein forms L133V.
Identifiers: ClinVar variation 409724 (VCV000409724.10), dbSNP rs1060502542, ClinGen allele CA16611529.